The following is an entry in ClinVar:

NM_000051.4(ATM):c.8881A>G (p.Thr2961Ala)

Genes: ATM (ATM serine/threonine kinase; plus strand), C11orf65 (chromosome 11 open reading frame 65; minus strand). Cytogenetic location: 11q22.3.
Variant type: single nucleotide variant.
Coding change: c.8881A>G on transcript NM_000051.4 (MANE Select); coding-DNA position 8881, A replaced by G.
Protein change: p.Thr2961Ala; replaces threonine 2961 with alanine.
Molecular consequence: missense variant. On other transcripts: intron variant (2).
Genome position (GRCh38, 1-based): chr11:108,365,112, A>G. VCF-style: chr11-108365112-A-G. GRCh37 (hg19) VCF-style: chr11-108235839-A-G.
Other names: c.8881A>G, p.Thr2961Ala (NM_001351834.2); c.640+20808T>C (NM_001330368.2); c.694+20808T>C (NM_001351110.2); short protein forms T2961A.
Identifiers: ClinVar variation 575663 (VCV000575663.10), dbSNP rs1565607505, ClinGen allele CA382529672.

ClinVar aggregate classification (germline): Uncertain significance. Review status: criteria provided, multiple submitters, no conflicts (2 of 4 stars). 2 submissions from 2 submitters: Uncertain significance (2). Last evaluated 2026-03-17.

Conditions:
Hereditary cancer-predisposing syndrome. Also called: Hereditary Cancer Syndrome; Neoplastic Syndromes, Hereditary; Tumor predisposition; Hereditary neoplastic syndrome. Identifiers: Orphanet 140162, MedGen C0027672, MeSH D009386, MONDO:0015356.
Ataxia-telangiectasia syndrome (AT). Also called: Cerebello-oculocutaneous telangiectasia; Immunodeficiency with ataxia telangiectasia; Ataxia-telangiectasia, complementation group E; Ataxia-telangiectasia, complementation group D; AT, COMPLEMENTATION GROUP C; ATAXIA-TELANGIECTASIA, COMPLEMENTATION GROUP A. Identifiers: Orphanet 100, MedGen C0004135, MONDO:0008840, OMIM 208900.

Submissions (2):

Ambry Genetics
Classification: Uncertain significance for Hereditary cancer-predisposing syndrome. Last evaluated: 2026-03-17. Review status: criteria provided, single submitter. Criteria: Ambry Variant Classification Scheme 2023. Collection method: clinical testing. Allele origin: germline.
Comment: The p.T2961A variant (also known as c.8881A>G), located in coding exon 61 of the ATM gene, results from an A to G substitution at nucleotide position 8881. The threonine at codon 2961 is replaced by alanine, an amino acid with similar properties. This amino acid position is conserved. In addition, this alteration is predicted to be deleterious by in silico analysis. Based on the available evidence, the clinical significance of this variant remains unclear.

Labcorp Genetics (formerly Invitae), Labcorp
Classification: Uncertain significance for Ataxia-telangiectasia syndrome. Last evaluated: 2023-01-08. Review status: criteria provided, single submitter. Criteria: Invitae Variant Classification Sherloc (09022015). Collection method: clinical testing. Allele origin: germline.
Comment: This sequence change replaces threonine, which is neutral and polar, with alanine, which is neutral and non-polar, at codon 2961 of the ATM protein (p.Thr2961Ala). In summary, the available evidence is currently insufficient to determine the role of this variant in disease. Therefore, it has been classified as a Variant of Uncertain Significance. Algorithms developed to predict the effect of missense changes on protein structure and function (SIFT, PolyPhen-2, Align-GVGD) all suggest that this variant is likely to be disruptive. ClinVar contains an entry for this variant (Variation ID: 575663). This variant has not been reported in the literature in individuals affected with ATM-related conditions. This variant is not present in population databases (gnomAD no frequency).